The following is an entry in ClinVar:

NM_020191.4(MRPS22):c.302C>T (p.Pro101Leu)

Gene: MRPS22 (mitochondrial ribosomal protein S22; plus strand). Cytogenetic location: 3q23.
Variant type: single nucleotide variant.
Coding change: c.302C>T on transcript NM_020191.4 (MANE Select); coding-DNA position 302, C replaced by T.
Protein change: p.Pro101Leu; replaces proline 101 with leucine.
Molecular consequence: missense variant.
Genome position (GRCh38, 1-based): chr3:139,347,007, C>T. VCF-style: chr3-139347007-C-T. GRCh37 (hg19) VCF-style: chr3-139065849-C-T.
Other names: c.179C>T, p.Pro60Leu (NM_001363857.1); c.299C>T, p.Pro100Leu (NM_001363893.1); short protein forms P60L, P100L, P101L.
Identifiers: ClinVar variation 2593888 (VCV002593888.4), dbSNP rs369598731, ClinGen allele CA2640677.

ClinVar aggregate classification (germline): Uncertain significance. Review status: criteria provided, multiple submitters, no conflicts (2 of 4 stars). 2 submissions from 2 submitters: Uncertain significance (2). Last evaluated 2025-02-06.

Conditions:
Inborn genetic diseases. Identifiers: MedGen C0950123, MeSH D030342.

Allele frequency attached by ClinVar (database versions not stated): ESP Exome Variant Server 0.00015; TOPMed 0.00011; gnomAD 0.00009; ExAC 0.00003.
gnomAD v4.1: 26 of 1,614,038 alleles (0.0016%); highest among the groups gnomAD compares: African/African-American, 0.029%; no homozygotes.

Submissions (2):

GeneDx
Classification: Uncertain significance. Last evaluated: 2025-02-06. Review status: criteria provided, single submitter. Criteria: GeneDx Variant Classification Process June 2021. Collection method: clinical testing. Allele origin: germline.
Comment: In silico analysis supports that this missense variant has a deleterious effect on protein structure/function; Has not been previously published as pathogenic or benign to our knowledge

Ambry Genetics
Classification: Uncertain significance for Inborn genetic diseases. Last evaluated: 2023-07-30. Review status: criteria provided, single submitter. Criteria: Ambry Variant Classification Scheme 2023. Collection method: clinical testing. Allele origin: germline.